The following is an entry in ClinVar:

ClinVar aggregate classification (germline): Uncertain significance (1 of 4 stars; one submission).

Conditions:
Inborn genetic diseases. Identifiers: MedGen C0950123, MeSH D030342.

Allele frequency attached by ClinVar (database versions not stated): gnomAD exomes 0.00001.
gnomAD v4.1: 3 of 1,610,800 alleles (0.00019%); highest among the groups gnomAD compares: Non-Finnish European, 0.00025%; no homozygotes.

Submission:

Ambry Genetics
Classification: Uncertain significance for Inborn genetic diseases. Last evaluated: 2020-09-21. Review status: criteria provided, single submitter. Criteria: Ambry Variant Classification Scheme 2023. Collection method: clinical testing. Allele origin: germline.
Comment: The p.A1538T variant (also known as c.4612G>A), located in coding exon 33 of the DST gene, results from a G to A substitution at nucleotide position 4612. The alanine at codon 1538 is replaced by threonine, an amino acid with similar properties. This amino acid position is poorly conserved in available vertebrate species. In addition, this alteration is predicted to be tolerated by in silico analysis. Since supporting evidence is limited at this time, the clinical significance of this alteration remains unclear.

NM_001374736.1(DST):c.4711G>A (p.Ala1571Thr)

Gene: DST (dystonin; minus strand). Cytogenetic location: 6p12.1.
Variant type: single nucleotide variant.
Coding change: c.4711G>A on transcript NM_001374736.1 (MANE Select); coding-DNA position 4711, G replaced by A.
Protein change: p.Ala1571Thr; replaces alanine 1571 with threonine.
Molecular consequence: missense variant.
Genome position (GRCh38, 1-based): chr6:56,627,215, C>T on the plus strand (G>A on the coding strand, the complement: DST is on the minus strand). VCF-style: chr6-56627215-C-T. GRCh37 (hg19) VCF-style: chr6-56492013-C-T.
Other names: c.4612G>A, p.Ala1538Thr (NM_001144769.5); c.4198G>A, p.Ala1400Thr (NM_001144770.2); c.4711G>A, p.Ala1571Thr (NM_001374722.1); c.4078G>A, p.Ala1360Thr (NM_001374729.1, NM_001374730.1, NM_001386100.1 and 1 more transcripts); c.4738G>A, p.Ala1580Thr (NM_001374734.1); c.3100G>A, p.Ala1034Thr (NM_001723.7, NM_015548.5); short protein forms A1360T, A1571T, A1400T, A1580T, A1034T, A1538T.
Identifiers: ClinVar variation 1741908 (VCV001741908.2), dbSNP rs1203315429, ClinGen allele CA364572949.